The following is an entry in ClinVar:

ClinVar aggregate classification (germline): Uncertain significance (1 of 4 stars; one submission).

Conditions:
Epileptic encephalopathy. Identifiers: MedGen C0543888, HP:0200134.

Submission:

Labcorp Genetics (formerly Invitae), Labcorp
Classification: Uncertain significance for Epileptic encephalopathy. Last evaluated: 2024-05-28. Review status: criteria provided, single submitter. Criteria: Invitae Variant Classification Sherloc (09022015). Collection method: clinical testing. Allele origin: germline.
Comment: This variant, c.78_83dup, results in the insertion of 2 amino acid(s) of the GABBR2 protein (p.Leu28_Leu29dup), but otherwise preserves the integrity of the reading frame. The frequency data for this variant in the population databases is considered unreliable, as metrics indicate insufficient coverage at this position in the gnomAD database. This variant has not been reported in the literature in individuals affected with GABBR2-related conditions. In summary, the available evidence is currently insufficient to determine the role of this variant in disease. Therefore, it has been classified as a Variant of Uncertain Significance.

NM_005458.8(GABBR2):c.72ACTGCT[3] (p.Leu29_Pro30insLeuLeu)

Gene: GABBR2 (gamma-aminobutyric acid type B receptor subunit 2; minus strand). Cytogenetic location: 9q22.33.
Variant type: Microsatellite.
Coding change: c.72ACTGCT[3] on transcript NM_005458.8 (MANE Select); three copies in a row of the 6-base unit ACTGCT starting at c.72; the reference has two copies in a row; one copy, 6 bases duplicated.
Protein change: p.Leu29_Pro30insLeuLeu.
Genome position (GRCh38, 1-based): chr9:98,708,655-98,708,660, AGCAGT duplicated on the plus strand (ACTGCT on the coding strand, the reverse complement: GABBR2 is on the minus strand); duplicating any 6 consecutive bases within chr9:98,708,655-98,708,671 gives the same sequence; the position shown is the placement nearest the transcript's 3' end. VCF-style (leftmost placement, unchanged base first): chr9-98708654-C-CAGCAGT. GRCh37 (hg19) VCF-style: chr9-101470936-C-CAGCAGT.
Identifiers: ClinVar variation 3697492 (VCV003697492.2).
Genomic context (GRCh38, chr9:98,708,654, plus strand): 5'-CCGGGGGGCGCCCCGCGCCCAGCCCCAGGCCCCGGGCGCCAGAGGCAGCAGCAGCGGCAG[C>CAGCAGT]AGCAGTAGCAGTAGCAGGCGCGCGGGCGGCGGTGGCGGCGGCGGCGGCGGCCCGGGCTGC-3'